The following is an entry in ClinVar:

NM_000232.5(SGCB):c.466_467del (p.Glu156fs)

Gene: SGCB (sarcoglycan beta; minus strand). Cytogenetic location: 4q12.
Variant type: Deletion.
Coding change: c.466_467del on transcript NM_000232.5 (MANE Select); coding-DNA positions 466 to 467, 2 bases deleted (GA; older notation c.466_467delGA).
Protein change: p.Glu156fs; shifts the reading frame from glutamic acid 156.
Molecular consequence: frameshift variant.
Genome position (GRCh38, 1-based): chr4:52,028,884-52,028,885, TC deleted on the plus strand (GA on the coding strand, the reverse complement: SGCB is on the minus strand); deleting any 2 consecutive bases within chr4:52,028,884-52,028,886 gives the same sequence; the c. name uses the placement nearest the transcript's 3' end. VCF-style (leftmost placement, unchanged base first): chr4-52028883-TTC-T. GRCh37 (hg19) VCF-style: chr4-52895049-TTC-T.
Other names: c.466_467delGA (NM_000232.4); short protein forms E156fs.
Identifiers: ClinVar variation 8715 (VCV000008715.10), dbSNP rs1578125670, ClinGen allele CA913185058.

ClinVar aggregate classification (germline): Pathogenic. Review status: criteria provided, multiple submitters, no conflicts (2 of 4 stars). 3 submissions from 3 submitters: Pathogenic (2). 1 of the submissions does not count toward it. Last evaluated 2022-08-01.

Conditions:
Autosomal recessive limb-girdle muscular dystrophy type 2E (LGMDR4). Also called: MUSCULAR DYSTROPHY, LIMB-GIRDLE, AUTOSOMAL RECESSIVE 4. Identifiers: Orphanet 119, MedGen C1858593, MONDO:0011423, OMIM 604286. Disease mechanism: Affects gamma-sarcoglycan and also disrupts the integrity of the entire sarcoglycan complex..

Submissions (3):

Labcorp Genetics (formerly Invitae), Labcorp
Classification: Pathogenic for Autosomal recessive limb-girdle muscular dystrophy type 2E. Last evaluated: 2022-08-01. Review status: criteria provided, single submitter. Criteria: Invitae Variant Classification Sherloc (09022015). Collection method: clinical testing. Allele origin: germline.
Comment: This variant is not present in population databases (gnomAD no frequency). This sequence change creates a premature translational stop signal (p.Glu156Lysfs*9) in the SGCB gene. It is expected to result in an absent or disrupted protein product. Loss-of-function variants in SGCB are known to be pathogenic (PMID: 15938573, 18285821). This premature translational stop signal has been observed in individual(s) with SGCB-related conditions (PMID: 8968749). For these reasons, this variant has been classified as Pathogenic. ClinVar contains an entry for this variant (Variation ID: 8715). This variant is also known as 'FS164TER'.

Mendelics
Classification: Pathogenic for Autosomal recessive limb-girdle muscular dystrophy type 2E. Last evaluated: 2022-05-04. Review status: criteria provided, single submitter. Criteria: Mendelics Assertion Criteria 2019. Collection method: clinical testing. Allele origin: germline.

OMIM
Classification: Pathogenic for MUSCULAR DYSTROPHY, LIMB-GIRDLE, AUTOSOMAL RECESSIVE 4. Last evaluated: 1996-12-01. Review status: no assertion criteria provided. Collection method: literature only. Allele origin: germline. Not counted in ClinVar's aggregate classification.

Literature cited by the submitters: PubMed 15938573 (cited by Labcorp Genetics (formerly Invitae), Labcorp); PubMed 18285821 (cited by Labcorp Genetics (formerly Invitae), Labcorp); PubMed 8968749 (cited by Labcorp Genetics (formerly Invitae), Labcorp and OMIM).